The following is an entry in ClinVar:

NM_000808.4(GABRA3):c.34A>T (p.Thr12Ser)

Gene: GABRA3 (gamma-aminobutyric acid type A receptor subunit alpha3; minus strand). Cytogenetic location: Xq28.
Variant type: single nucleotide variant.
Coding change: c.34A>T on transcript NM_000808.4 (MANE Select); coding-DNA position 34, A replaced by T.
Protein change: p.Thr12Ser; replaces threonine 12 with serine.
Molecular consequence: missense variant.
Genome position (GRCh38, 1-based): chrX:152,364,537, T>A on the plus strand (A>T on the coding strand, the complement: GABRA3 is on the minus strand). VCF-style: chrX-152364537-T-A. GRCh37 (hg19) VCF-style: chrX-151533009-T-A.
Other names: short protein forms T12S.
Identifiers: ClinVar variation 780739 (VCV000780739.6), dbSNP rs61734348, ClinGen allele CA10543302.

ClinVar aggregate classification (germline): Likely benign. Review status: criteria provided, multiple submitters, no conflicts (2 of 4 stars). 3 submissions from 3 submitters: Likely benign (2). 1 of the submissions does not count toward it. Last evaluated 2018-05-20.

Conditions:
GABRA3-related disorder. Also called: GABRA3-related condition.

Allele frequency attached by ClinVar (database versions not stated): ESP Exome Variant Server 0.00161; 1000 Genomes Project 30x 0.00104; 1000 Genomes Project 0.00106; gnomAD 0.00124 and 0.00131; TOPMed 0.00149.
gnomAD v4.1: 312 of 1,207,034 alleles (0.026%); highest among the groups gnomAD compares: African/African-American, 0.43%; no homozygotes.

Submissions (3):

Labcorp Genetics (formerly Invitae), Labcorp
Classification: Likely benign. Last evaluated: 2018-05-20. Review status: criteria provided, single submitter. Criteria: Invitae Variant Classification Sherloc (09022015). Collection method: clinical testing. Allele origin: germline.

Breakthrough Genomics
Classification: Likely benign. Review status: criteria provided, single submitter. Criteria: ACMG Guidelines, 2015. Collection method: not provided. Allele origin: germline. Inheritance: X-linked inheritance. Affected: yes.

PreventionGenetics, part of Exact Sciences
Classification: Likely benign for GABRA3-related condition. Last evaluated: 2023-06-07. Review status: no assertion criteria provided. Collection method: clinical testing. Allele origin: germline. Not counted in ClinVar's aggregate classification.
Comment: This variant is classified as likely benign based on ACMG/AMP sequence variant interpretation guidelines (Richards et al. 2015 PMID: 25741868, with internal and published modifications).